The following is an entry in ClinVar:

ClinVar aggregate classification (germline): Benign/Likely benign. Review status: criteria provided, multiple submitters, no conflicts (2 of 4 stars). 4 submissions from 4 submitters: Benign (2); Likely benign (2). Last evaluated 2026-05-01.

Allele frequency attached by ClinVar (database versions not stated): TOPMed 0.00054; gnomAD exomes 0.00061; gnomAD 0.00067 and 0.00071; ExAC 0.00072; ESP Exome Variant Server 0.00085.
gnomAD v4.1: 1,407 of 1,607,008 alleles (0.088%); highest among the groups gnomAD compares: Non-Finnish European, 0.11%; 1 homozygote.

Submissions (4):

CeGaT Center for Human Genetics Tuebingen
Classification: Likely benign. Last evaluated: 2026-05-01. Review status: criteria provided, single submitter. Criteria: CeGaT Center For Human Genetics Tuebingen Variant Classification Criteria Version 2. Collection method: clinical testing. Allele origin: germline. Affected: yes. Observed: 2 variant alleles.
Comment: ARID2: BP4, BS1

Blueprint Genetics
Classification: Likely benign. Last evaluated: 2024-08-21. Review status: criteria provided, single submitter. Criteria: ACMG Guidelines, 2015. Collection method: clinical testing. Allele origin: germline.

Labcorp Genetics (formerly Invitae), Labcorp
Classification: Benign. Last evaluated: 2018-08-08. Review status: criteria provided, single submitter. Criteria: Invitae Variant Classification Sherloc (09022015). Collection method: clinical testing. Allele origin: germline.

Breakthrough Genomics
Classification: Benign. Review status: criteria provided, single submitter. Criteria: ACMG Guidelines, 2015. Collection method: not provided. Allele origin: germline. Inheritance: Autosomal dominant inheritance. Affected: yes.

NM_152641.4(ARID2):c.4815C>T (p.Gly1605=)

Gene: ARID2 (AT-rich interaction domain 2; plus strand). Cytogenetic location: 12q12.
Variant type: single nucleotide variant.
Coding change: c.4815C>T on transcript NM_152641.4 (MANE Select); coding-DNA position 4815, C replaced by T.
Protein change: p.Gly1605=; no amino-acid change (glycine 1605 retained).
Molecular consequence: synonymous variant.
Genome position (GRCh38, 1-based): chr12:45,860,842, C>T. VCF-style: chr12-45860842-C-T. GRCh37 (hg19) VCF-style: chr12-46254625-C-T.
Other names: c.4815C>T, p.Gly1605= (NM_001347839.2).
Identifiers: ClinVar variation 724951 (VCV000724951.29), dbSNP rs138953201, ClinGen allele CA6526737.